The following is an entry in ClinVar:

NM_001013703.4(EIF2AK4):c.4567_4570del (p.Phe1523fs)

Gene: EIF2AK4 (eukaryotic translation initiation factor 2 alpha kinase 4; plus strand). Cytogenetic location: 15q15.1.
Variant type: Microsatellite.
Coding change: c.4567_4570del on transcript NM_001013703.4 (MANE Select); coding-DNA positions 4567 to 4570, 4 bases deleted (TTTG; older notation c.4567_4570delTTTG).
Protein change: p.Phe1523fs; shifts the reading frame from phenylalanine 1523.
Molecular consequence: frameshift variant.
Genome position (GRCh38, 1-based): chr15:40,030,364-40,030,367, TTTG deleted; deleting any 4 consecutive bases within chr15:40,030,359-40,030,367 gives the same sequence; the c. name uses the placement nearest the transcript's 3' end. VCF-style (leftmost placement, unchanged base first): chr15-40030358-GGTTT-G. GRCh37 (hg19) VCF-style: chr15-40322559-GGTTT-G.
Other names: short protein forms F1523fs.
Identifiers: ClinVar variation 1983474 (VCV001983474.4), dbSNP rs1252244505, ClinGen allele CA489674952.
Genomic context (GRCh38, chr15:40,030,358, plus strand): 5'-AGTATGTTGTAGAAAGTGGGACCAGATAAGGCCATAAATTCTGAAACTCTCTTGGTCTCA[GGTTT>G]GTTTGAAATCCATGGAGCAACAGTGGTTCCCATTGTGAGTGTGCTAGCCCCGGAGAAGCT-3'

ClinVar aggregate classification (germline): Pathogenic (1 of 4 stars; one submission).

Submission:

Labcorp Genetics (formerly Invitae), Labcorp
Classification: Pathogenic. Last evaluated: 2022-05-01. Review status: criteria provided, single submitter. Criteria: Invitae Variant Classification Sherloc (09022015). Collection method: clinical testing. Allele origin: germline.
Comment: For these reasons, this variant has been classified as Pathogenic. This sequence change creates a premature translational stop signal (p.Phe1523Lysfs*11) in the EIF2AK4 gene. It is expected to result in an absent or disrupted protein product. Loss-of-function variants in EIF2AK4 are known to be pathogenic (PMID: 12215525, 24135949, 24292273, 24310610, 28972005, 29743074). Algorithms developed to predict the effect of sequence changes on RNA splicing suggest that this variant may disrupt the consensus splice site. This variant has not been reported in the literature in individuals affected with EIF2AK4-related conditions. This variant is present in population databases (no rsID available, gnomAD 0.01%).

Literature cited by the submitters: PubMed 12215525; PubMed 24135949; PubMed 24292273; PubMed 24310610; PubMed 28972005; PubMed 29743074.